The following is an entry in ClinVar:

ClinVar aggregate classification (germline): Uncertain significance. Review status: criteria provided, multiple submitters, no conflicts (2 of 4 stars). 3 submissions from 3 submitters: Uncertain significance (2). 1 of the submissions does not count toward it. Last evaluated 2022-08-16.

Conditions:
Cohen syndrome (COH1). Also called: Cutis verticis gyrata, retinitis pigmentosa, and sensorineural deafness; PEPPER SYNDROME. Identifiers: Orphanet 193, MedGen C0265223, MONDO:0008999, OMIM 216550.
Inborn genetic diseases. Identifiers: MedGen C0950123, MeSH D030342.

Allele frequency attached by ClinVar (database versions not stated): TOPMed 0.00001.

Submissions (3):

Labcorp Genetics (formerly Invitae), Labcorp
Classification: Uncertain significance for Cohen syndrome. Last evaluated: 2022-08-16. Review status: criteria provided, single submitter. Criteria: Invitae Variant Classification Sherloc (09022015). Collection method: clinical testing. Allele origin: germline.
Comment: This sequence change replaces histidine, which is basic and polar, with asparagine, which is neutral and polar, at codon 1128 of the VPS13B protein (p.His1128Asn). This variant is not present in population databases (gnomAD no frequency). This variant has not been reported in the literature in individuals affected with VPS13B-related conditions. ClinVar contains an entry for this variant (Variation ID: 589602). Algorithms developed to predict the effect of missense changes on protein structure and function are either unavailable or do not agree on the potential impact of this missense change (SIFT: "Not Available"; PolyPhen-2: "Possibly Damaging"; Align-GVGD: "Not Available"). In summary, the available evidence is currently insufficient to determine the role of this variant in disease. Therefore, it has been classified as a Variant of Uncertain Significance.

Ambry Genetics
Classification: Uncertain significance for Inborn genetic diseases. Last evaluated: 2017-04-07. Review status: criteria provided, single submitter. Criteria: Ambry Variant Classification Scheme 2023. Collection method: clinical testing. Allele origin: germline.
Comment: The p.H1128N variant (also known as c.3382C>A), located in coding exon 22 of the VPS13B gene, results from a C to A substitution at nucleotide position 3382. The histidine at codon 1128 is replaced by asparagine, an amino acid with similar properties. This amino acid position is highly conserved in available vertebrate species. In addition, this alteration is predicted to be tolerated by in silico analysis. Since supporting evidence is limited at this time, the clinical significance of this alteration remains unclear.

Natera, Inc.
Classification: Uncertain significance for Cohen syndrome. Last evaluated: 2020-08-18. Review status: no assertion criteria provided. Collection method: clinical testing. Allele origin: germline. Not counted in ClinVar's aggregate classification.

NM_152564.5(VPS13B):c.3382C>A (p.His1128Asn)

Gene: VPS13B (vacuolar protein sorting 13 homolog B; plus strand). Cytogenetic location: 8q22.2.
Variant type: single nucleotide variant.
Coding change: c.3382C>A on transcript NM_152564.5 (MANE Select); coding-DNA position 3382, C replaced by A.
Protein change: p.His1128Asn; replaces histidine 1128 with asparagine.
Molecular consequence: missense variant.
Genome position (GRCh38, 1-based): chr8:99,442,572, C>A. VCF-style: chr8-99442572-C-A. GRCh37 (hg19) VCF-style: chr8-100454800-C-A.
Other names: c.3382C>A, p.His1128Asn (NM_017890.5); short protein forms H1128N.
Identifiers: ClinVar variation 589602 (VCV000589602.14), dbSNP rs1563732631, ClinGen allele CA371871016.